The following is an entry in ClinVar:

ClinVar aggregate classification (germline): Uncertain significance. Review status: criteria provided, multiple submitters, no conflicts (2 of 4 stars). 2 submissions from 2 submitters: Uncertain significance (2). Last evaluated 2024-11-28.

Conditions:
Inborn genetic diseases. Identifiers: MedGen C0950123, MeSH D030342.

Submissions (2):

Ambry Genetics
Classification: Uncertain significance for Inborn genetic diseases. Last evaluated: 2024-11-28. Review status: criteria provided, single submitter. Criteria: Ambry Variant Classification Scheme 2023. Collection method: clinical testing. Allele origin: germline.
Comment: The p.A1391V variant (also known as c.4172C>T), located in coding exon 1 of the SAMD9 gene, results from a C to T substitution at nucleotide position 4172. The alanine at codon 1391 is replaced by valine, an amino acid with similar properties. This amino acid position is conserved. In addition, this alteration is predicted to be tolerated by in silico analysis. Based on the available evidence, the clinical significance of this variant remains unclear.

Labcorp Genetics (formerly Invitae), Labcorp
Classification: Uncertain significance. Last evaluated: 2021-05-23. Review status: criteria provided, single submitter. Criteria: Invitae Variant Classification Sherloc (09022015). Collection method: clinical testing. Allele origin: germline.
Comment: In summary, the available evidence is currently insufficient to determine the role of this variant in disease. Therefore, it has been classified as a Variant of Uncertain Significance. Algorithms developed to predict the effect of missense changes on protein structure and function are either unavailable or do not agree on the potential impact of this missense change (SIFT: "Deleterious"; PolyPhen-2: "Probably Damaging"; Align-GVGD: "Class C0"). This variant has not been reported in the literature in individuals with SAMD9-related conditions. This variant is not present in population databases (ExAC no frequency). This sequence change replaces alanine with valine at codon 1391 of the SAMD9 protein (p.Ala1391Val). The alanine residue is highly conserved and there is a small physicochemical difference between alanine and valine.

NM_017654.4(SAMD9):c.4172C>T (p.Ala1391Val)

Gene: SAMD9 (sterile alpha motif domain containing 9; minus strand). Cytogenetic location: 7q21.2.
Variant type: single nucleotide variant.
Coding change: c.4172C>T on transcript NM_017654.4 (MANE Select); coding-DNA position 4172, C replaced by T.
Protein change: p.Ala1391Val; replaces alanine 1391 with valine.
Molecular consequence: missense variant.
Genome position (GRCh38, 1-based): chr7:93,101,926, G>A on the plus strand (C>T on the coding strand, the complement: SAMD9 is on the minus strand). VCF-style: chr7-93101926-G-A. GRCh37 (hg19) VCF-style: chr7-92731239-G-A.
Other names: c.4172C>T (NM_017654.3); c.4172C>T, p.Ala1391Val (NM_001193307.2); short protein forms A1391V.
Identifiers: ClinVar variation 1507990 (VCV001507990.9), dbSNP rs2116412868, ClinGen allele CA368180327.